The following is an entry in ClinVar:

NC_000003.12:g.165023777del

Gene: SI (sucrase-isomaltase; minus strand). Cytogenetic location: 3q26.1.
Variant type: Deletion.
Genome position: GRCh38 VCF-style: chr3-165023774-AC-A. GRCh37 (hg19) VCF-style: chr3-164741562-AC-A.
Identifiers: ClinVar variation 3659396 (VCV003659396.2).
Genomic context (GRCh38, chr3:165,023,774, plus strand): 5'-GACTGAATAAGAGTTATCTTGTCTGGGAAAGTAACACTCAGGTGCTTTGGATAGAGAAGA[AC>A]CCTAAAAACACAATGCATGTTCATTGCCAGAAATTATAAGCCTTGTAATATTTTACTCTT-3'

ClinVar aggregate classification (germline): Pathogenic (1 of 4 stars; one submission).

Submission:

Labcorp Genetics (formerly Invitae), Labcorp
Classification: Pathogenic. Last evaluated: 2024-07-12. Review status: criteria provided, single submitter. Criteria: Invitae Variant Classification Sherloc (09022015). Collection method: clinical testing. Allele origin: germline.
Comment: This sequence change creates a premature translational stop signal (p.Gly965Valfs*31) in the SI gene. It is expected to result in an absent or disrupted protein product. Loss-of-function variants in SI are known to be pathogenic (PMID: 16329100, 23103650, 25452324). This variant is not present in population databases (gnomAD no frequency). This variant has not been reported in the literature in individuals affected with SI-related conditions. For these reasons, this variant has been classified as Pathogenic.

Literature cited by the submitters: PubMed 16329100; PubMed 23103650; PubMed 25452324.